The following is an entry in ClinVar:

ClinVar aggregate classification (germline): Uncertain significance (1 of 4 stars; one submission).

Submission:

Labcorp Genetics (formerly Invitae), Labcorp
Classification: Uncertain significance. Last evaluated: 2022-04-07. Review status: criteria provided, single submitter. Criteria: Invitae Variant Classification Sherloc (09022015). Collection method: clinical testing. Allele origin: germline.
Comment: This variant has not been reported in the literature in individuals affected with EMC1-related conditions. In summary, the available evidence is currently insufficient to determine the role of this variant in disease. Therefore, it has been classified as a Variant of Uncertain Significance. This variant is not present in population databases (gnomAD no frequency). This variant, c.2124_2129dup, results in the insertion of 2 amino acid(s) of the EMC1 protein (p.Val710_Lys711dup), but otherwise preserves the integrity of the reading frame.

NM_015047.3(EMC1):c.2124_2129dup (p.Lys711_Gly712insValLys)

Genes: EMC1 (ER membrane protein complex subunit 1; minus strand), EMC1-AS1 (EMC1 antisense RNA 1; plus strand). Cytogenetic location: 1p36.13.
Variant type: Duplication.
Coding change: c.2124_2129dup on transcript NM_015047.3 (MANE Select); coding-DNA positions 2124 to 2129, 6 bases duplicated (CAAGGT; older notation c.2124_2129dupCAAGGT).
Protein change: p.Lys711_Gly712insValLys.
Molecular consequence: inframe insertion.
Genome position (GRCh38, 1-based): chr1:19,227,386-19,227,391, ACCTTG duplicated on the plus strand (CAAGGT on the coding strand, the reverse complement: EMC1 is on the minus strand); duplicating any 6 consecutive bases within chr1:19,227,386-19,227,393 gives the same sequence; the c. name uses the placement nearest the transcript's 3' end. VCF-style (leftmost placement, unchanged base first): chr1-19227385-C-CACCTTG. GRCh37 (hg19) VCF-style: chr1-19553879-C-CACCTTG.
Other names: c.2121_2126dup, p.Lys710_Gly711insValLys (NM_001271427.2, NM_001271428.2); c.2058_2063dup, p.Lys689_Gly690insValLys (NM_001271429.2); c.2133_2138dup, p.Lys714_Gly715insValLys (NM_001375820.1); c.2130_2135dup, p.Lys713_Gly714insValLys (NM_001375821.1).
Identifiers: ClinVar variation 2122805 (VCV002122805.4), dbSNP rs2093483327, ClinGen allele CA1157023501.